The following is an entry in ClinVar:

ClinVar aggregate classification (germline): Uncertain significance (1 of 4 stars; one submission).

gnomAD v4.1: 4 of 1,614,198 alleles (0.00025%); highest among the groups gnomAD compares: Non-Finnish European, 0.00034%; no homozygotes.

Submission:

Labcorp Genetics (formerly Invitae), Labcorp
Classification: Uncertain significance. Last evaluated: 2022-09-06. Review status: criteria provided, single submitter. Criteria: Invitae Variant Classification Sherloc (09022015). Collection method: clinical testing. Allele origin: germline.
Comment: This sequence change replaces serine, which is neutral and polar, with phenylalanine, which is neutral and non-polar, at codon 205 of the DHCR24 protein (p.Ser205Phe). This variant is not present in population databases (gnomAD no frequency). This variant has not been reported in the literature in individuals affected with DHCR24-related conditions. Algorithms developed to predict the effect of missense changes on protein structure and function are either unavailable or do not agree on the potential impact of this missense change (SIFT: "Deleterious"; PolyPhen-2: "Benign"; Align-GVGD: "Class C0"). In summary, the available evidence is currently insufficient to determine the role of this variant in disease. Therefore, it has been classified as a Variant of Uncertain Significance.

NM_014762.4(DHCR24):c.614C>T (p.Ser205Phe)

Gene: DHCR24 (24-dehydrocholesterol reductase; minus strand). Cytogenetic location: 1p32.3.
Variant type: single nucleotide variant.
Coding change: c.614C>T on transcript NM_014762.4 (MANE Select); coding-DNA position 614, C replaced by T.
Protein change: p.Ser205Phe; replaces serine 205 with phenylalanine.
Molecular consequence: missense variant.
Genome position (GRCh38, 1-based): chr1:54,871,612, G>A on the plus strand (C>T on the coding strand, the complement: DHCR24 is on the minus strand). VCF-style: chr1-54871612-G-A. GRCh37 (hg19) VCF-style: chr1-55337285-G-A.
Other names: short protein forms S205F.
Identifiers: ClinVar variation 1914848 (VCV001914848.5), dbSNP rs1237235917, ClinGen allele CA340458791.